The following is an entry in ClinVar:

NM_021074.5(NDUFV2):c.510T>C (p.Thr170=)

Genes: NDUFV2 (NADH:ubiquinone oxidoreductase core subunit V2; plus strand), NDUFV2-AS1 (NDUFV2 antisense RNA 1; minus strand). Cytogenetic location: 18p11.22.
Variant type: single nucleotide variant.
Coding change: c.510T>C on transcript NM_021074.5 (MANE Select); coding-DNA position 510, T replaced by C.
Protein change: p.Thr170=; no amino-acid change (threonine 170 retained).
Molecular consequence: synonymous variant.
Genome position (GRCh38, 1-based): chr18:9,124,914, T>C. VCF-style: chr18-9124914-T-C. GRCh37 (hg19) VCF-style: chr18-9124912-T-C.
Identifiers: ClinVar variation 327879 (VCV000327879.23), dbSNP rs201074358, ClinGen allele CA8887240.

ClinVar aggregate classification (germline): Conflicting classifications of pathogenicity. Review status: criteria provided, conflicting classifications (1 of 4 stars). 4 submissions from 4 submitters: Uncertain significance (1); Likely benign (3). Last evaluated 2025-07-16.

Conditions:
Mitochondrial complex I deficiency, nuclear type 1. Also called: NADH-COENZYME Q REDUCTASE DEFICIENCY; MITOCHONDRIAL NADH DEHYDROGENASE COMPONENT OF COMPLEX I, DEFICIENCY OF. Identifiers: MedGen C6022305, MONDO:0100224, OMIM 252010.

Allele frequency attached by ClinVar (database versions not stated): gnomAD exomes 0.00039 and 0.00010; ExAC 0.00005; gnomAD 0.00005 and 0.00006; TOPMed 0.00010.
gnomAD v4.1: 572 of 1,613,212 alleles (0.035%); highest among the groups gnomAD compares: Non-Finnish European, 0.046%; 1 homozygote.

Submissions (4):

Labcorp Genetics (formerly Invitae), Labcorp
Classification: Likely benign. Last evaluated: 2025-07-16. Review status: criteria provided, single submitter. Criteria: Invitae Variant Classification Sherloc (09022015). Collection method: clinical testing. Allele origin: germline.

CeGaT Center for Human Genetics Tuebingen
Classification: Likely benign. Last evaluated: 2025-05-01. Review status: criteria provided, single submitter. Criteria: CeGaT Center For Human Genetics Tuebingen Variant Classification Criteria Version 2. Collection method: clinical testing. Allele origin: germline. Affected: yes. Observed: 1 variant allele.
Comment: NDUFV2: BP4, BP7

Illumina Laboratory Services, Illumina
Classification: Uncertain significance for Mitochondrial complex I deficiency, nuclear type 1. Last evaluated: 2018-01-12. Review status: criteria provided, single submitter. Criteria: ICSL Variant Classification Criteria 13 December 2019. Collection method: clinical testing. Allele origin: germline.

GeneDx
Classification: Likely benign. Last evaluated: 2017-11-13. Review status: criteria provided, single submitter. Criteria: GeneDx Variant Classification (06012015). Collection method: clinical testing. Allele origin: germline. Affected: yes.
Comment: This variant is considered likely benign or benign based on one or more of the following criteria: it is a conservative change, it occurs at a poorly conserved position in the protein, it is predicted to be benign by multiple in silico algorithms, and/or has population frequency not consistent with disease.